The following is an entry in ClinVar:

NM_000318.3(PEX2):c.575A>G (p.Asn192Ser)

Gene: PEX2 (peroxisomal biogenesis factor 2; minus strand). Cytogenetic location: 8q21.13.
Variant type: single nucleotide variant.
Coding change: c.575A>G on transcript NM_000318.3 (MANE Select); coding-DNA position 575, A replaced by G.
Protein change: p.Asn192Ser; replaces asparagine 192 with serine.
Molecular consequence: missense variant.
Genome position (GRCh38, 1-based): chr8:76,983,604, T>C on the plus strand (A>G on the coding strand, the complement: PEX2 is on the minus strand). VCF-style: chr8-76983604-T-C. GRCh37 (hg19) VCF-style: chr8-77895840-T-C.
Other names: c.575A>G, p.Asn192Ser (NM_001079867.2, NM_001172086.2, NM_001172087.2); c.575A>G (NM_000318.2); short protein forms N192S.
Identifiers: ClinVar variation 2176172 (VCV002176172.2), dbSNP rs2487451372, ClinGen allele CA371557042.
Genomic context (GRCh38, chr8:76,983,604, plus strand): 5'-TTGATAAGTGGTAAGAGAAAAATCAGAAATTCAGCAAAACCATGCCAGAGAAGTTCCCTA[T>C]TCATGTATTCAAAGCCAACTTCACATATGTTTTGAGGCTTGCAAAATACAGAATGAATAC-3'
Protein context (NP_000309.2, residues 182-202): NICEVGFEYM[Asn192Ser]RELLWHGFAE

ClinVar aggregate classification (germline): Uncertain significance. Review status: criteria provided, multiple submitters, no conflicts (2 of 4 stars). 2 submissions from 2 submitters: Uncertain significance (2). Last evaluated 2024-11-14.

Conditions:
PEX2-related disorder. Also called: PEX2-related condition.
Peroxisome biogenesis disorder 5A (Zellweger) (PBD5A). Identifiers: Orphanet 912, MedGen C3553940, MONDO:0013932, OMIM 614866.

Allele frequency attached by ClinVar (database versions not stated): gnomAD exomes below 0.00001.

Submissions (2):

PreventionGenetics, part of Exact Sciences
Classification: Uncertain significance for PEX2-related condition. Last evaluated: 2024-11-14. Review status: criteria provided, single submitter. Criteria: ACMG Guidelines, 2015. Collection method: clinical testing. Allele origin: germline.
Comment: The PEX2 c.575A>G variant is predicted to result in the amino acid substitution p.Asn192Ser. To our knowledge, this variant has not been reported in the literature or in a large population database (gnomAD), indicating this variant is rare. At this time, the clinical significance of this variant is uncertain due to the absence of conclusive functional and genetic evidence.

Labcorp Genetics (formerly Invitae), Labcorp
Classification: Uncertain significance for Peroxisome biogenesis disorder 5A (Zellweger). Last evaluated: 2022-02-21. Review status: criteria provided, single submitter. Criteria: Invitae Variant Classification Sherloc (09022015). Collection method: clinical testing. Allele origin: germline.
Comment: This sequence change replaces asparagine, which is neutral and polar, with serine, which is neutral and polar, at codon 192 of the PEX2 protein (p.Asn192Ser). This variant is not present in population databases (gnomAD no frequency). This variant has not been reported in the literature in individuals affected with PEX2-related conditions. Algorithms developed to predict the effect of missense changes on protein structure and function are either unavailable or do not agree on the potential impact of this missense change (SIFT: "Tolerated"; PolyPhen-2: "Possibly Damaging"; Align-GVGD: "Class C0"). In summary, the available evidence is currently insufficient to determine the role of this variant in disease. Therefore, it has been classified as a Variant of Uncertain Significance.